The following is an entry in ClinVar:

NM_001128178.3(NPHP1):c.1269+22G>A

Gene: NPHP1 (nephrocystin 1; minus strand). Cytogenetic location: 2q13.
Variant type: single nucleotide variant.
Coding change: c.1269+22G>A on transcript NM_001128178.3 (MANE Select); 22 bases into the intron after coding-DNA position 1269, G replaced by A.
Molecular consequence: intron variant.
Genome position (GRCh38, 1-based): chr2:110,147,894, C>T on the plus strand (G>A on the coding strand, the complement: NPHP1 is on the minus strand). VCF-style: chr2-110147894-C-T. GRCh37 (hg19) VCF-style: chr2-110905471-C-T.
Other names: p.?; c.1080+22G>A (NM_001128179.3); c.1266+22G>A (NM_001374256.1); c.1269+22G>A (NM_001374257.1); c.1434+22G>A (NM_207181.4); c.1437+22G>A (NM_000272.5).
Identifiers: ClinVar variation 4684586 (VCV004684586.1).

ClinVar aggregate classification (germline): Likely benign (1 of 4 stars; one submission).

gnomAD v4.1: 61 of 1,320,348 alleles (0.0046%); highest among the groups gnomAD compares: Non-Finnish European, 0.0066%; no homozygotes.

Submission:

Mayo Clinic Laboratories, Mayo Clinic
Classification: Likely benign. Last evaluated: 2025-08-13. Review status: criteria provided, single submitter. Criteria: ACMG Guidelines, 2015. Collection method: clinical testing. Allele origin: germline. Observed: 1 variant allele.
Comment: BP4, BP7